The following is an entry in ClinVar:

NM_014921.5(ADGRL1):c.2536-1G>A

Genes: ADGRL1 (adhesion G protein-coupled receptor L1; minus strand), ADGRL1-AS1 (ADGRL1 antisense RNA 1; plus strand). Cytogenetic location: 19p13.12.
Variant type: single nucleotide variant.
Coding change: c.2536-1G>A on transcript NM_014921.5 (MANE Select); the canonical splice acceptor site of the intron before coding-DNA position 2536, G replaced by A.
Molecular consequence: splice acceptor variant.
Genome position (GRCh38, 1-based): chr19:14,157,461, C>T on the plus strand (G>A on the coding strand, the complement: ADGRL1 is on the minus strand). VCF-style: chr19-14157461-C-T. GRCh37 (hg19) VCF-style: chr19-14268273-C-T.
Other names: c.2551-1G>A (NM_001008701.3).
Identifiers: ClinVar variation 4891371 (VCV004891371.1).

ClinVar aggregate classification (germline): Uncertain significance (1 of 4 stars; one submission).

Submission:

GeneDx
Classification: Uncertain significance. Last evaluated: 2023-06-17. Review status: criteria provided, single submitter. Criteria: GeneDx Variant Classification Process June 2021. Collection method: clinical testing. Allele origin: germline.
Comment: Not observed at significant frequency in large population cohorts (gnomAD); Canonical splice site variant in a gene for which loss-of-function is not an established mechanism of disease; Has not been previously published as pathogenic or benign to our knowledge; Variants in candidate genes are classified as variants of uncertain significance in accordance with ACMG guidelines (Richards et al., 2015)